The following is an entry in ClinVar:

NM_001122955.4(BSCL2):c.1343C>T (p.Pro448Leu)

Genes: BSCL2 (BSCL2 lipid droplet biogenesis associated, seipin; minus strand), HNRNPUL2-BSCL2 (HNRNPUL2-BSCL2 readthrough (NMD candidate); minus strand). Cytogenetic location: 11q12.3.
Variant type: single nucleotide variant.
Coding change: c.1343C>T on transcript NM_001122955.4 (MANE Select); coding-DNA position 1343, C replaced by T.
Protein change: p.Pro448Leu; replaces proline 448 with leucine.
Molecular consequence: missense variant. On other transcripts: non-coding transcript variant (1), 3 prime UTR variant (1).
Genome position (GRCh38, 1-based): chr11:62,690,413, G>A on the plus strand (C>T on the coding strand, the complement: BSCL2 is on the minus strand). VCF-style: chr11-62690413-G-A. GRCh37 (hg19) VCF-style: chr11-62457885-G-A.
Other names: c.*145C>T (NM_001130702.2); c.1349C>T, p.Pro450Leu (NM_001386027.1); c.1343C>T, p.Pro448Leu (NM_001386028.1); c.1151C>T, p.Pro384Leu (NM_032667.6); short protein forms P384L, P448L, P450L.
Identifiers: ClinVar variation 3673175 (VCV003673175.2).

ClinVar aggregate classification (germline): Uncertain significance (1 of 4 stars; one submission).

Conditions:
Charcot-Marie-Tooth disease type 2. Also called: Charcot-Marie-Tooth type 2. Identifiers: Orphanet 64746, MedGen C0270914, MONDO:0018993.

gnomAD v4.1: 3 of 1,614,154 alleles (0.00019%); highest among the groups gnomAD compares: Admixed American, 0.005%; no homozygotes.

Submission:

Labcorp Genetics (formerly Invitae), Labcorp
Classification: Uncertain significance for Charcot-Marie-Tooth disease type 2. Last evaluated: 2024-07-22. Review status: criteria provided, single submitter. Criteria: Invitae Variant Classification Sherloc (09022015). Collection method: clinical testing. Allele origin: germline.
Comment: This sequence change replaces proline, which is neutral and non-polar, with leucine, which is neutral and non-polar, at codon 384 of the BSCL2 protein (p.Pro384Leu). This variant is not present in population databases (gnomAD no frequency). This variant has not been reported in the literature in individuals affected with BSCL2-related conditions. An algorithm developed to predict the effect of missense changes on protein structure and function (PolyPhen-2) suggests that this variant is likely to be tolerated. In summary, the available evidence is currently insufficient to determine the role of this variant in disease. Therefore, it has been classified as a Variant of Uncertain Significance.